The following is an entry in ClinVar:

NM_022841.7(RFX7):c.1960A>G (p.Lys654Glu)

Gene: RFX7 (regulatory factor X7; minus strand). Cytogenetic location: 15q21.3.
Variant type: single nucleotide variant.
Coding change: c.1960A>G on transcript NM_022841.7 (MANE Select); coding-DNA position 1960, A replaced by G.
Protein change: p.Lys654Glu; replaces lysine 654 with glutamic acid.
Molecular consequence: missense variant.
Genome position (GRCh38, 1-based): chr15:56,095,768, T>C on the plus strand (A>G on the coding strand, the complement: RFX7 is on the minus strand). VCF-style: chr15-56095768-T-C. GRCh37 (hg19) VCF-style: chr15-56387966-T-C.
Other names: c.1669A>G, p.Lys557Glu (NM_001368073.2, NM_001368074.1, NM_001370554.1); c.1960A>G, p.Lys654Glu (NM_001370561.1); short protein forms K557E, K654E.
Identifiers: ClinVar variation 2572732 (VCV002572732.1), dbSNP rs2504989396, ClinGen allele CA392581221.
Genomic context (GRCh38, chr15:56,095,768, plus strand): 5'-TCTTTACAGGAGGCACCTGGGTCTCCTGCAATGTAGAAGACAGTCGTTTTCTTGGGCTTT[T>C]AGTGCATAATTTAGGGTCTTTATTGATTGAGTCACCATTAGGTGGTGAGCTGCTGCTGGT-3'
Protein context (NP_073752.6, residues 644-664): SINKDPKLCT[Lys654Glu]SPRKRLSSTL

ClinVar aggregate classification (germline): Uncertain significance (1 of 4 stars; one submission).

Submission:

GeneDx
Classification: Uncertain significance. Last evaluated: 2023-01-12. Review status: criteria provided, single submitter. Criteria: GeneDx Variant Classification Process June 2021. Collection method: clinical testing. Allele origin: germline. Affected: yes.
Comment: Not observed at significant frequency in large population cohorts (gnomAD); In silico analysis supports that this missense variant does not alter protein structure/function; Has not been previously published as pathogenic or benign to our knowledge